The following is an entry in ClinVar:

ClinVar aggregate classification (germline): Likely benign (1 of 4 stars; one submission).

Conditions:
Megalencephalic leukoencephalopathy with subcortical cysts 1 (MLC1). Also called: LEUKOENCEPHALOPATHY WITH SWELLING AND CYSTS; VACUOLATING MEGALENCEPHALIC LEUKOENCEPHALOPATHY WITH SUBCORTICAL CYSTS. Identifiers: Orphanet 2478, MedGen C5779875, MONDO:0024555, OMIM 604004.

Allele frequency attached by ClinVar (database versions not stated): 1000 Genomes Project 0.00220; TOPMed 0.00291; gnomAD 0.00426 and 0.00427.

Submission:

Illumina Laboratory Services, Illumina
Classification: Likely benign for Megalencephalic leukoencephalopathy with subcortical cysts 1. Last evaluated: 2018-01-13. Review status: criteria provided, single submitter. Criteria: ICSL Variant Classification Criteria 13 December 2019. Collection method: clinical testing. Allele origin: germline.
Comment: This variant was observed in the ICSL laboratory as part of a predisposition screen in an ostensibly healthy population. It had not been previously curated by ICSL or reported in the Human Gene Mutation Database (HGMD: prior to June 1st, 2018), and was therefore a candidate for classification through an automated scoring system. Utilizing variant allele frequency, disease prevalence and penetrance estimates, and inheritance mode, an automated score was calculated to assess if this variant is too frequent to cause the disease. Based on the score and internal cut-off values, a variant classified as likely benign is not then subjected to further curation. The score for this variant resulted in a classification of likely benign for this disease.

NM_015166.4(MLC1):c.*860A>C

Gene: MLC1 (modulator of VRAC current 1; minus strand). Cytogenetic location: 22q13.33.
Variant type: single nucleotide variant.
Coding change: c.*860A>C on transcript NM_015166.4 (MANE Select); 860 bases downstream of the stop codon, A replaced by C.
Molecular consequence: 3 prime UTR variant. On other transcripts: intron variant (2).
Genome position (GRCh38, 1-based): chr22:50,060,723, T>G on the plus strand (A>C on the coding strand, the complement: MLC1 is on the minus strand). VCF-style: chr22-50060723-T-G. GRCh37 (hg19) VCF-style: chr22-50499152-T-G.
Other names: c.*860A>C (NM_001376472.1, NM_001376473.1, NM_001376474.1 and 9 more transcripts); c.*46-571A>C (NM_001376478.1, NM_001376477.1).
Identifiers: ClinVar variation 901859 (VCV000901859.4), dbSNP rs41283492, ClinGen allele CA325478868.